The following is an entry in ClinVar:

NM_053025.4(MYLK):c.400C>G (p.Pro134Ala)

Gene: MYLK (myosin light chain kinase; minus strand). Cytogenetic location: 3q21.1.
Variant type: single nucleotide variant.
Coding change: c.400C>G on transcript NM_053025.4 (MANE Select); coding-DNA position 400, C replaced by G.
Protein change: p.Pro134Ala; replaces proline 134 with alanine.
Molecular consequence: missense variant. On other transcripts: 5 prime UTR variant (1).
Genome position (GRCh38, 1-based): chr3:123,739,975, G>C on the plus strand (C>G on the coding strand, the complement: MYLK is on the minus strand). VCF-style: chr3-123739975-G-C. GRCh37 (hg19) VCF-style: chr3-123458822-G-C.
Other names: c.-129C>G (NM_001321309.2); c.400C>G, p.Pro134Ala (NM_053026.4, NM_053027.4, NM_053028.4); short protein forms P134A.
Identifiers: ClinVar variation 857344 (VCV000857344.9), dbSNP rs2062808147, ClinGen allele CA354242132.

ClinVar aggregate classification (germline): Uncertain significance (1 of 4 stars; one submission).

Conditions:
Aortic aneurysm, familial thoracic 7 (AAT7). Also called: AORTIC DISSECTION, FAMILIAL, WITH OR WITHOUT AORTIC ANEURYSM. Identifiers: MedGen C3151077, MONDO:0013418, OMIM 613780.

Allele frequency attached by ClinVar (database versions not stated): gnomAD exomes below 0.00001.
gnomAD v4.1: 6 of 1,613,940 alleles (0.00037%); highest among the groups gnomAD compares: African/African-American, 0.0027%; no homozygotes.

Submission:

Labcorp Genetics (formerly Invitae), Labcorp
Classification: Uncertain significance for Aortic aneurysm, familial thoracic 7. Last evaluated: 2019-02-14. Review status: criteria provided, single submitter. Criteria: Invitae Variant Classification Sherloc (09022015). Collection method: clinical testing. Allele origin: germline.
Comment: In summary, the available evidence is currently insufficient to determine the role of this variant in disease. Therefore, it has been classified as a Variant of Uncertain Significance. Algorithms developed to predict the effect of missense changes on protein structure and function are either unavailable or do not agree on the potential impact of this missense change (SIFT: "Deleterious"; PolyPhen-2: "Benign"; Align-GVGD: "Class C25"). This variant has not been reported in the literature in individuals with MYLK-related conditions. This variant is not present in population databases (ExAC no frequency). This sequence change replaces proline with alanine at codon 134 of the MYLK protein (p.Pro134Ala). The proline residue is highly conserved and there is a small physicochemical difference between proline and alanine.